The following is an entry in ClinVar:

ClinVar aggregate classification (germline): Benign/Likely benign. Review status: criteria provided, multiple submitters, no conflicts (2 of 4 stars). 5 submissions from 5 submitters: Benign (1); Likely benign (4). Last evaluated 2026-01-26.

Conditions:
Joubert syndrome 18 (JBTS18). Identifiers: Orphanet 2754, MedGen C3553758, MONDO:0013896, OMIM 614815.
Orofacial-digital syndrome IV (OFD4). Also called: BARAITSER-BURN SYNDROME; OFD SYNDROME WITH TIBIAL DEFECTS; OFD SYNDROME, BARAITSER-BURN TYPE; OFDS IV; ORAL-FACIAL-DIGITAL SYNDROME, TYPE IV; Orofaciodigital syndrome IV. Identifiers: Orphanet 2753, MedGen C0406727, MONDO:0009794, OMIM 258860.

Allele frequency attached by ClinVar (database versions not stated): gnomAD exomes 0.00077; ExAC 0.00083; ESP Exome Variant Server 0.00219; gnomAD 0.00302 and 0.00320; 1000 Genomes Project 0.00359; TOPMed 0.00414; 1000 Genomes Project 30x 0.00422.
gnomAD v4.1: 855 of 1,551,700 alleles (0.055%); highest among the groups gnomAD compares: African/African-American, 0.86%; 7 homozygotes.

Submissions (5):

Labcorp Genetics (formerly Invitae), Labcorp
Classification: Benign for Joubert syndrome 18; Orofacial-digital syndrome IV. Last evaluated: 2026-01-26. Review status: criteria provided, single submitter. Criteria: Invitae Variant Classification Sherloc (09022015). Collection method: clinical testing. Allele origin: germline.

Blueprint Genetics
Classification: Likely benign. Last evaluated: 2024-10-08. Review status: criteria provided, single submitter. Criteria: ACMG Guidelines, 2015. Collection method: clinical testing. Allele origin: germline.

GeneDx
Classification: Likely benign. Last evaluated: 2017-06-01. Review status: criteria provided, single submitter. Criteria: GeneDx Variant Classification (06012015). Collection method: clinical testing. Allele origin: germline. Affected: yes.
Comment: This variant is considered likely benign or benign based on one or more of the following criteria: it is a conservative change, it occurs at a poorly conserved position in the protein, it is predicted to be benign by multiple in silico algorithms, and/or has population frequency not consistent with disease.

Breakthrough Genomics
Classification: Likely benign. Review status: criteria provided, single submitter. Criteria: ACMG Guidelines, 2015. Collection method: not provided. Allele origin: germline. Inheritance: Autosomal recessive inheritance. Affected: yes.

PreventionGenetics, part of Exact Sciences
Classification: Likely benign. Review status: criteria provided, single submitter. Criteria: ACMG Guidelines, 2015. Collection method: clinical testing. Allele origin: germline.

NM_015631.6(TCTN3):c.21G>A (p.Ala7=)

Genes: TCTN3 (tectonic family member 3; minus strand), LOC130004408 (ATAC-STARR-seq lymphoblastoid active region 3801; plus strand). Cytogenetic location: 10q24.1.
Variant type: single nucleotide variant.
Coding change: c.21G>A on transcript NM_015631.6 (MANE Select); coding-DNA position 21, G replaced by A.
Protein change: p.Ala7=; no amino-acid change (alanine 7 retained).
Molecular consequence: synonymous variant.
Genome position (GRCh38, 1-based): chr10:95,693,879, C>T on the plus strand (G>A on the coding strand, the complement: TCTN3 is on the minus strand). VCF-style: chr10-95693879-C-T. GRCh37 (hg19) VCF-style: chr10-97453636-C-T.
Other names: c.21G>A, p.Ala7= (NM_001143973.2).
Identifiers: ClinVar variation 260667 (VCV000260667.14), dbSNP rs61737888, ClinGen allele CA5621208.